The following is an entry in ClinVar:

ClinVar aggregate classification (germline): Uncertain significance. Review status: criteria provided, multiple submitters, no conflicts (2 of 4 stars). 2 submissions from 2 submitters: Uncertain significance (2). Last evaluated 2023-10-20.

Conditions:
Retinitis pigmentosa 14 (RP14). Also called: RETINITIS PIGMENTOSA, JUVENILE, TULP1-RELATED. Identifiers: Orphanet 791, MedGen C1838603, MONDO:0010827, OMIM 600132.

Allele frequency attached by ClinVar (database versions not stated): gnomAD exomes below 0.00001 and 0.00001; ExAC 0.00001.

Submissions (2):

3billion
Classification: Uncertain significance for Retinitis pigmentosa 14. Last evaluated: 2023-10-20. Review status: criteria provided, single submitter. Criteria: ACMG Guidelines, 2015. Collection method: clinical testing. Allele origin: germline. Affected: yes.
Comment: The variant is observed at an extremely low frequency in the gnomAD v2.1.1 dataset (total allele frequency: <0.001%). Predicted Consequence/Location: Missense variant In silico tool predictions suggest damaging effect of the variant on gene or gene product [REVEL: 0.86 (>=0.6, sensitivity 0.68 and specificity 0.92); 3Cnet: 0.67 (>=0.6, sensitivity 0.72 and precision 0.9)]. Therefore, this variant is classified as VUS according to the recommendation of ACMG/AMP guideline.

Labcorp Genetics (formerly Invitae), Labcorp
Classification: Uncertain significance. Last evaluated: 2021-09-30. Review status: criteria provided, single submitter. Criteria: Invitae Variant Classification Sherloc (09022015). Collection method: clinical testing. Allele origin: germline.
Comment: This sequence change replaces tyrosine with phenylalanine at codon 501 of the TULP1 protein (p.Tyr501Phe). The tyrosine residue is highly conserved and there is a small physicochemical difference between tyrosine and phenylalanine. This variant is present in population databases (rs756934881, ExAC 0.01%). This variant has not been reported in the literature in individuals affected with TULP1-related conditions. Algorithms developed to predict the effect of missense changes on protein structure and function are either unavailable or do not agree on the potential impact of this missense change (SIFT: "Not Available"; PolyPhen-2: "Probably Damaging"; Align-GVGD: "Not Available"). In summary, the available evidence is currently insufficient to determine the role of this variant in disease. Therefore, it has been classified as a Variant of Uncertain Significance.

NM_003322.6(TULP1):c.1502A>T (p.Tyr501Phe)

Gene: TULP1 (TUB like protein 1; minus strand). Cytogenetic location: 6p21.31.
Variant type: single nucleotide variant.
Coding change: c.1502A>T on transcript NM_003322.6 (MANE Select); coding-DNA position 1502, A replaced by T.
Protein change: p.Tyr501Phe; replaces tyrosine 501 with phenylalanine.
Molecular consequence: missense variant.
Genome position (GRCh38, 1-based): chr6:35,498,454, T>A on the plus strand (A>T on the coding strand, the complement: TULP1 is on the minus strand). VCF-style: chr6-35498454-T-A. GRCh37 (hg19) VCF-style: chr6-35466231-T-A.
Other names: c.1343A>T, p.Tyr448Phe (NM_001289395.2); short protein forms Y501F, Y448F.
Identifiers: ClinVar variation 1421923 (VCV001421923.6), dbSNP rs756934881, ClinGen allele CA3772526.